The following is an entry in ClinVar:

ClinVar aggregate classification (germline): Uncertain significance (1 of 4 stars; one submission).

Submission:

Labcorp Genetics (formerly Invitae), Labcorp
Classification: Uncertain significance. Last evaluated: 2021-08-23. Review status: criteria provided, single submitter. Criteria: Invitae Variant Classification Sherloc (09022015). Collection method: clinical testing. Allele origin: germline.
Comment: This variant has not been reported in the literature in individuals affected with LRIT3-related conditions. Experimental studies and prediction algorithms are not available or were not evaluated, and the functional significance of this variant is currently unknown. In summary, the available evidence is currently insufficient to determine the role of this variant in disease. Therefore, it has been classified as a Variant of Uncertain Significance. This sequence change creates a premature translational stop signal (p.Gln565Leufs*4) in the LRIT3 gene. While this is not anticipated to result in nonsense mediated decay, it is expected to disrupt the last 115 amino acid(s) of the LRIT3 protein. This variant is not present in population databases (ExAC no frequency).

NM_198506.5(LRIT3):c.1694_1704del (p.Gln565fs)

Gene: LRIT3 (leucine rich repeat, Ig-like and transmembrane domains 3; plus strand). Cytogenetic location: 4q25.
Variant type: Deletion.
Coding change: c.1694_1704del on transcript NM_198506.5 (MANE Select); coding-DNA positions 1694 to 1704, 11 bases deleted (AATGCATCACC).
Protein change: p.Gln565fs; shifts the reading frame from glutamine 565.
Molecular consequence: frameshift variant.
Genome position (GRCh38, 1-based): chr4:109,870,443-109,870,453, AATGCATCACC deleted; deleting any 11 consecutive bases within chr4:109,870,440-109,870,453 gives the same sequence; the c. name uses the placement nearest the transcript's 3' end. VCF-style (leftmost placement, unchanged base first): chr4-109870439-GACCAATGCATC-G. GRCh37 (hg19) VCF-style: chr4-110791595-GACCAATGCATC-G.
Other names: short protein forms Q565fs.
Identifiers: ClinVar variation 1377278 (VCV001377278.6), dbSNP rs2125901747, ClinGen allele CA2573137962.